The following is an entry in ClinVar:

NM_006096.4(NDRG1):c.637C>A (p.Gln213Lys)

Gene: NDRG1 (N-myc downstream regulated 1; minus strand). Cytogenetic location: 8q24.22.
Variant type: single nucleotide variant.
Coding change: c.637C>A on transcript NM_006096.4 (MANE Select); coding-DNA position 637, C replaced by A.
Protein change: p.Gln213Lys; replaces glutamine 213 with lysine.
Molecular consequence: missense variant.
Genome position (GRCh38, 1-based): chr8:133,250,501, G>T on the plus strand (C>A on the coding strand, the complement: NDRG1 is on the minus strand). VCF-style: chr8-133250501-G-T. GRCh37 (hg19) VCF-style: chr8-134262744-G-T.
Other names: c.637C>A, p.Gln213Lys (NM_001135242.2, NM_001374845.1, NM_001374846.1); c.439C>A, p.Gln147Lys (NM_001258432.2, NM_001374847.1); c.394C>A, p.Gln132Lys (NM_001258433.2); c.688C>A, p.Gln230Lys (NM_001374844.1); short protein forms Q132K, Q147K, Q213K, Q230K.
Identifiers: ClinVar variation 916898 (VCV000916898.5), dbSNP rs1213776109, ClinGen allele CA372255409.

ClinVar aggregate classification (germline): Uncertain significance. Review status: criteria provided, multiple submitters, no conflicts (2 of 4 stars). 4 submissions from 4 submitters: Uncertain significance (4). Last evaluated 2026-04-21.

Conditions:
Inborn genetic diseases. Identifiers: MedGen C0950123, MeSH D030342.
Charcot-Marie-Tooth disease. Also called: Charcot-Marie-Tooth Neuropathy; Charcot-Marie-Tooth Hereditary Neuropathy. Identifiers: Orphanet 166, MedGen C0007959, MONDO:0015626.
Charcot-Marie-Tooth disease type 4. Also called: Charcot-Marie-Tooth disease, type IV; Charcot-Marie-Tooth, Type 4. Identifiers: Orphanet 64749, MedGen C4082197, MONDO:0018995.

Allele frequency attached by ClinVar (database versions not stated): gnomAD 0.00001; gnomAD exomes 0.00001; TOPMed 0.00001.
gnomAD v4.1: 24 of 1,613,946 alleles (0.0015%); highest among the groups gnomAD compares: Middle Eastern, 0.016%; no homozygotes.

Submissions (4):

Women's Health and Genetics/Laboratory Corporation of America, LabCorp
Classification: Uncertain significance. Last evaluated: 2026-04-21. Review status: criteria provided, single submitter. Criteria: LabCorp Variant Classification Summary - May 2015. Collection method: clinical testing. Allele origin: germline.
Comment: Variant summary: NDRG1 c.637C>A (p.Gln213Lys) results in a conservative amino acid change in the encoded protein sequence. Algorithms developed to predict the effect of missense changes on protein structure and function are either unavailable or do not agree on the potential impact of this missense change. The variant was absent in 251494 control chromosomes (gnomAD). The available data on variant occurrences in the general population are insufficient to allow any conclusion about variant significance. c.637C>A has been observed in at least one individual affected with Charcot-Marie-Tooth disease (Volodarsky_2021). The report does not provide unequivocal conclusions about association of the variant with Charcot-Marie-Tooth disease type 4D. To our knowledge, no experimental evidence demonstrating an impact on protein function has been reported. The following publication have been ascertained in the context of this evaluation (PMID: 32376792). ClinVar contains an entry for this variant (Variation ID: 916898). Based on the evidence outlined above, the variant was classified as uncertain significance.

Labcorp Genetics (formerly Invitae), Labcorp
Classification: Uncertain significance for Charcot-Marie-Tooth disease type 4. Last evaluated: 2022-03-10. Review status: criteria provided, single submitter. Criteria: Invitae Variant Classification Sherloc (09022015). Collection method: clinical testing. Allele origin: germline.
Comment: This sequence change replaces glutamine, which is neutral and polar, with lysine, which is basic and polar, at codon 213 of the NDRG1 protein (p.Gln213Lys). This variant is not present in population databases (gnomAD no frequency). This missense change has been observed in individual(s) with Charcot-Marie-Tooth disease (PMID: 32376792). ClinVar contains an entry for this variant (Variation ID: 916898). Algorithms developed to predict the effect of missense changes on protein structure and function (SIFT, PolyPhen-2, Align-GVGD) all suggest that this variant is likely to be tolerated. In summary, the available evidence is currently insufficient to determine the role of this variant in disease. Therefore, it has been classified as a Variant of Uncertain Significance.

Ambry Genetics
Classification: Uncertain significance for Inborn genetic diseases. Last evaluated: 2021-08-24. Review status: criteria provided, single submitter. Criteria: Ambry Variant Classification Scheme 2023. Collection method: clinical testing. Allele origin: germline.
Comment: The p.Q213K variant (also known as c.637C>A), located in coding exon 9 of the NDRG1 gene, results from a C to A substitution at nucleotide position 637. The glutamine at codon 213 is replaced by lysine, an amino acid with similar properties. This amino acid position is conserved. In addition, this alteration is predicted to be tolerated by in silico analysis. Since supporting evidence is limited at this time, the clinical significance of this alteration remains unclear.

Molecular Genetics Laboratory, London Health Sciences Centre
Classification: Uncertain significance for Charcot-Marie-Tooth disease. Review status: criteria provided, single submitter. Criteria: ACMG Guidelines, 2015. Collection method: clinical testing. Allele origin: germline. Affected: yes.

Literature cited by the submitters: PubMed 32376792 (cited by Women's Health and Genetics/Laboratory Corporation of America, LabCorp and Labcorp Genetics (formerly Invitae), Labcorp).